The following is an entry in ClinVar:

NM_000375.3(UROS):c.64G>A (p.Glu22Lys)

Gene: UROS (uroporphyrinogen III synthase; minus strand). Cytogenetic location: 10q26.2.
Variant type: single nucleotide variant.
Coding change: c.64G>A on transcript NM_000375.3 (MANE Select); coding-DNA position 64, G replaced by A.
Protein change: p.Glu22Lys; replaces glutamic acid 22 with lysine.
Molecular consequence: missense variant. On other transcripts: non-coding transcript variant (2).
Genome position (GRCh38, 1-based): chr10:125,816,260, C>T on the plus strand (G>A on the coding strand, the complement: UROS is on the minus strand). VCF-style: chr10-125816260-C-T. GRCh37 (hg19) VCF-style: chr10-127504829-C-T.
Other names: c.64G>A, p.Glu22Lys (NM_001324036.2, NM_001324037.2, NM_001324038.2 and 1 more transcripts); short protein forms E22K.
Identifiers: ClinVar variation 1377530 (VCV001377530.5), dbSNP rs1050047805, ClinGen allele CA215305973.
Genomic context (GRCh38, chr10:125,816,260, plus strand): 5'-ACAAAAACTCAAACGATAAAACAGGGATCAAAGTGGCTTCAAGTCCATATAATCCTAATT[C>T]CTGAAATGAAAGAATATAGTTCTGGATTGGCTAGGGCTGTTTTTAAAATAAGGGAACATT-3'
Protein context (NP_000366.1, residues 12-32): DDCGQDPYIR[Glu22Lys]LGLYGLEATL

ClinVar aggregate classification (germline): Uncertain significance (1 of 4 stars; one submission).

Allele frequency attached by ClinVar (database versions not stated): gnomAD exomes below 0.00001 and 0.00001; TOPMed 0.00001.
gnomAD v4.1: 12 of 1,613,918 alleles (0.00074%); highest among the groups gnomAD compares: Admixed American, 0.018%; no homozygotes.

Submission:

Labcorp Genetics (formerly Invitae), Labcorp
Classification: Uncertain significance. Last evaluated: 2022-04-01. Review status: criteria provided, single submitter. Criteria: Invitae Variant Classification Sherloc (09022015). Collection method: clinical testing. Allele origin: germline.
Comment: This sequence change replaces glutamic acid, which is acidic and polar, with lysine, which is basic and polar, at codon 22 of the UROS protein (p.Glu22Lys). This variant is present in population databases (no rsID available, gnomAD 0.003%). This variant has not been reported in the literature in individuals affected with UROS-related conditions. Algorithms developed to predict the effect of missense changes on protein structure and function are either unavailable or do not agree on the potential impact of this missense change (SIFT: "Tolerated"; PolyPhen-2: "Probably Damaging"; Align-GVGD: "Class C0"). In summary, the available evidence is currently insufficient to determine the role of this variant in disease. Therefore, it has been classified as a Variant of Uncertain Significance.